The following is an entry in ClinVar:

NM_014915.3(ANKRD26):c.3845G>C (p.Arg1282Thr)

Gene: ANKRD26 (ankyrin repeat domain 26; minus strand). Cytogenetic location: 10p12.1.
Variant type: single nucleotide variant.
Coding change: c.3845G>C on transcript NM_014915.3 (MANE Select); coding-DNA position 3845, G replaced by C.
Protein change: p.Arg1282Thr; replaces arginine 1282 with threonine.
Molecular consequence: missense variant.
Genome position (GRCh38, 1-based): chr10:27,029,319, C>G on the plus strand (G>C on the coding strand, the complement: ANKRD26 is on the minus strand). VCF-style: chr10-27029319-C-G. GRCh37 (hg19) VCF-style: chr10-27318248-C-G.
Other names: c.3842G>C, p.Arg1281Thr (NM_001256053.2); short protein forms R1281T, R1282T.
Identifiers: ClinVar variation 4859100 (VCV004859100.1).
Genomic context (GRCh38, chr10:27,029,319, plus strand): 5'-TTTTCTGTGTGCTGCTTTAAATTTTACTTTTGCTTGTGATCTTGCATCTTCTCAGCACAT[C>G]TGACAGCTTCTGTATGTCGATCCTGTGCTTCTTGCAACTAAAACAAAGAATAAAAAAAAC-3'
Protein context (NP_055730.2, residues 1272-1292): EAQDRHTEAV[Arg1282Thr]CAEKMQDHKQ

ClinVar aggregate classification (germline): Uncertain significance (1 of 4 stars; one submission).

Conditions:
Inborn genetic diseases. Identifiers: MedGen C0950123, MeSH D030342.

Submission:

Ambry Genetics
Classification: Uncertain significance for Inborn genetic diseases. Last evaluated: 2026-03-23. Review status: criteria provided, single submitter. Criteria: Ambry Variant Classification Scheme 2023. Collection method: clinical testing. Allele origin: germline.
Comment: The p.R1282T variant (also known as c.3845G>C), located in coding exon 26 of the ANKRD26 gene, results from a G to C substitution at nucleotide position 3845. The arginine at codon 1282 is replaced by threonine, an amino acid with similar properties. This amino acid position is conserved. In addition, this alteration is predicted to be tolerated by in silico analysis. Based on the available evidence, the clinical significance of this variant remains unclear.